The following is an entry in ClinVar:

ClinVar aggregate classification (germline): Uncertain significance. Review status: criteria provided, multiple submitters, no conflicts (2 of 4 stars). 2 submissions from 2 submitters: Uncertain significance (2). Last evaluated 2024-09-10.

gnomAD v4.1: 6 of 1,614,218 alleles (0.00037%); highest among the groups gnomAD compares: South Asian, 0.0011%; no homozygotes.

Submissions (3):

Ambry Genetics
Classification: Uncertain significance. Last evaluated: 2024-09-10. Review status: criteria provided, single submitter. Criteria: Ambry Variant Classification Scheme 2023. Collection method: clinical testing. Allele origin: germline.

Labcorp Genetics (formerly Invitae), Labcorp
Classification: Uncertain significance. Last evaluated: 2024-07-16. Review status: criteria provided, single submitter. Criteria: Invitae Variant Classification Sherloc (09022015). Collection method: clinical testing. Allele origin: germline.
Comment: This sequence change replaces arginine, which is basic and polar, with tryptophan, which is neutral and slightly polar, at codon 22 of the NDUFB9 protein (p.Arg22Trp). This variant is present in population databases (rs759625380, gnomAD 0.0009%). This variant has not been reported in the literature in individuals affected with NDUFB9-related conditions. An algorithm developed to predict the effect of missense changes on protein structure and function (PolyPhen-2) suggests that this variant is likely to be tolerated. In summary, the available evidence is currently insufficient to determine the role of this variant in disease. Therefore, it has been classified as a Variant of Uncertain Significance.

Dr. Peter K. Rogan Lab, Western University
No classification provided (evidence only). Condition: Colorectal cancer. Review status: no classification provided. Collection method: in vitro. Allele origin: not applicable. Functional consequence: retained intron. Not counted in ClinVar's aggregate classification.

NM_005005.3(NDUFB9):c.64C>T (p.Arg22Trp)

Gene: NDUFB9 (NADH:ubiquinone oxidoreductase subunit B9; plus strand). Cytogenetic location: 8q24.13.
Variant type: single nucleotide variant.
Coding change: c.64C>T on transcript NM_005005.3 (MANE Select); coding-DNA position 64, C replaced by T.
Protein change: p.Arg22Trp; replaces arginine 22 with tryptophan.
Molecular consequence: missense variant. On other transcripts: 5 prime UTR variant (2).
Genome position (GRCh38, 1-based): chr8:124,539,250, C>T. VCF-style: chr8-124539250-C-T. GRCh37 (hg19) VCF-style: chr8-125551491-C-T.
Other names: c.-70C>T (NM_001278645.2); c.-64C>T (NM_001278646.2); c.64C>T, p.Arg22Trp (NM_001311168.2); short protein forms R22W.
Identifiers: ClinVar variation 3403902 (VCV003403902.4).
Genomic context (GRCh38, chr8:124,539,250, plus strand): 5'-GCGTTCTTGGCGTCGGGACCCTACCTGACCCATCAGCAAAAGGTGTTGCGGCTTTATAAG[C>T]GGGCGCTACGCCACCTCGAGTCGTGGTGCGTCCAGAGGTAAGGGATGGGGACCCAGGACT-3'
Protein context (NP_004996.1, residues 12-32): HQQKVLRLYK[Arg22Trp]ALRHLESWCV